The following is an entry in ClinVar:

ClinVar aggregate classification (germline): Uncertain significance (1 of 4 stars; one submission).

Allele frequency attached by ClinVar (database versions not stated): ExAC 0.00001; gnomAD 0.00001.
gnomAD v4.1: 36 of 1,518,144 alleles (0.0024%); highest among the groups gnomAD compares: Admixed American, 0.0045%; no homozygotes.

Submission:

Labcorp Genetics (formerly Invitae), Labcorp
Classification: Uncertain significance. Last evaluated: 2022-08-08. Review status: criteria provided, single submitter. Criteria: Invitae Variant Classification Sherloc (09022015). Collection method: clinical testing. Allele origin: germline.
Comment: In summary, the available evidence is currently insufficient to determine the role of this variant in disease. Therefore, it has been classified as a Variant of Uncertain Significance. Algorithms developed to predict the effect of missense changes on protein structure and function output the following: SIFT: "Deleterious"; PolyPhen-2: "Benign"; Align-GVGD: "Class C0". The glutamine amino acid residue is found in multiple mammalian species, which suggests that this missense change does not adversely affect protein function. This variant has not been reported in the literature in individuals affected with TNS2-related conditions. The frequency data for this variant in the population databases is considered unreliable, as metrics indicate poor data quality at this position in the gnomAD database. This sequence change replaces arginine, which is basic and polar, with glutamine, which is neutral and polar, at codon 548 of the TNS2 protein (p.Arg548Gln).

NM_170754.4(TNS2):c.1613G>A (p.Arg538Gln)

Gene: TNS2 (tensin 2; plus strand). Cytogenetic location: 12q13.13.
Variant type: single nucleotide variant.
Coding change: c.1613G>A on transcript NM_170754.4 (MANE Select); coding-DNA position 1613, G replaced by A.
Protein change: p.Arg538Gln; replaces arginine 538 with glutamine.
Molecular consequence: missense variant.
Genome position (GRCh38, 1-based): chr12:53,059,254, G>A. VCF-style: chr12-53059254-G-A. GRCh37 (hg19) VCF-style: chr12-53453038-G-A.
Other names: c.1613G>A, p.Arg538Gln (NM_001416202.1); c.1571G>A, p.Arg524Gln (NM_001416203.1); c.1640G>A, p.Arg547Gln (NM_001416204.1); c.1544G>A, p.Arg515Gln (NM_015319.3); c.1241G>A, p.Arg414Gln (NM_198316.2); short protein forms R538Q, R548Q, R414Q, R515Q, R524Q, R547Q.
Identifiers: ClinVar variation 2077959 (VCV002077959.4), dbSNP rs757424331, ClinGen allele CA6592413.
Genomic context (GRCh38, chr12:53,059,254, plus strand): 5'-CGCTGACCACAGAGCCGGCTGCTGAGTCCCCTGGCCGGCCGCCCCCTACAGCTGCTGAAC[G>A]GCAGGAGCTGGATCGCCTCCTAGGAGGCTGCGGAGTGGCCAGTGGGGGCCGGGGAGCTGG-3'
Protein context (NP_736610.2, residues 528-548): PGRPPPTAAE[Arg538Gln]QELDRLLGGC